The following is an entry in ClinVar:

NM_001106.4(ACVR2B):c.1451C>T (p.Ser484Leu)

Gene: ACVR2B (activin A receptor type 2B; plus strand). Cytogenetic location: 3p22.2.
Variant type: single nucleotide variant.
Coding change: c.1451C>T on transcript NM_001106.4 (MANE Select); coding-DNA position 1451, C replaced by T.
Protein change: p.Ser484Leu; replaces serine 484 with leucine.
Molecular consequence: missense variant.
Genome position (GRCh38, 1-based): chr3:38,483,244, C>T. VCF-style: chr3-38483244-C-T. GRCh37 (hg19) VCF-style: chr3-38524735-C-T.
Other names: short protein forms S484L.
Identifiers: ClinVar variation 2884743 (VCV002884743.3), dbSNP rs917920564, ClinGen allele CA72926786.

ClinVar aggregate classification (germline): Uncertain significance (1 of 4 stars; one submission).

Conditions:
Heterotaxy, visceral, 4, autosomal (HTX4). Identifiers: Orphanet 450, MedGen C3151057, MONDO:0013403, OMIM 613751.

Allele frequency attached by ClinVar (database versions not stated): gnomAD 0.00001; gnomAD exomes 0.00002; TOPMed 0.00002.
gnomAD v4.1: 24 of 1,613,908 alleles (0.0015%); highest among the groups gnomAD compares: East Asian, 0.0045%; no homozygotes.

Submission:

Labcorp Genetics (formerly Invitae), Labcorp
Classification: Uncertain significance for Heterotaxy, visceral, 4, autosomal. Last evaluated: 2023-03-13. Review status: criteria provided, single submitter. Criteria: Invitae Variant Classification Sherloc (09022015). Collection method: clinical testing. Allele origin: germline.
Comment: This sequence change replaces serine, which is neutral and polar, with leucine, which is neutral and non-polar, at codon 484 of the ACVR2B protein (p.Ser484Leu). In summary, the available evidence is currently insufficient to determine the role of this variant in disease. Therefore, it has been classified as a Variant of Uncertain Significance. Advanced modeling of protein sequence and biophysical properties (such as structural, functional, and spatial information, amino acid conservation, physicochemical variation, residue mobility, and thermodynamic stability) performed at Invitae indicates that this missense variant is not expected to disrupt ACVR2B protein function. This variant has not been reported in the literature in individuals affected with ACVR2B-related conditions. This variant is present in population databases (no rsID available, gnomAD 0.01%).